The following is an entry in ClinVar:

NM_014991.6(WDFY3):c.7657G>C (p.Gly2553Arg)

Gene: WDFY3 (WD repeat and FYVE domain containing 3; minus strand). Cytogenetic location: 4q21.23.
Variant type: single nucleotide variant.
Coding change: c.7657G>C on transcript NM_014991.6 (MANE Select); coding-DNA position 7657, G replaced by C.
Protein change: p.Gly2553Arg; replaces glycine 2553 with arginine.
Molecular consequence: missense variant.
Genome position (GRCh38, 1-based): chr4:84,718,519, C>G on the plus strand (G>C on the coding strand, the complement: WDFY3 is on the minus strand). VCF-style: chr4-84718519-C-G. GRCh37 (hg19) VCF-style: chr4-85639672-C-G.
Other names: short protein forms G2553R.
Identifiers: ClinVar variation 3469119 (VCV003469119.2).

ClinVar aggregate classification (germline): Likely pathogenic (1 of 4 stars; one submission).

Conditions:
Inborn genetic diseases. Identifiers: MedGen C0950123, MeSH D030342.

Submission:

Ambry Genetics
Classification: Likely pathogenic for Inborn genetic diseases. Last evaluated: 2025-02-06. Review status: criteria provided, single submitter. Criteria: Ambry Variant Classification Scheme 2023. Collection method: clinical testing. Allele origin: germline.
Comment: The c.7657G>C (p.G2553R) alteration is located in exon 48 (coding exon 45) of the WDFY3 gene. This alteration results from a G to C substitution at nucleotide position 7657, causing the glycine (G) at amino acid position 2553 to be replaced by an arginine (R). This variant was not reported in population-based cohorts in the Genome Aggregation Database (gnomAD). This amino acid position is highly conserved in available vertebrate species. This alteration is predicted to be deleterious by in silico analysis. Based on the available evidence, this alteration is classified as likely pathogenic.